The following is an entry in ClinVar:

ClinVar aggregate classification (germline): Pathogenic (1 of 4 stars; one submission).

Conditions:
Bardet-Biedl syndrome (BBS). Identifiers: Orphanet 110, MedGen C0752166, MONDO:0015229.

Submission:

Labcorp Genetics (formerly Invitae), Labcorp
Classification: Pathogenic for Bardet-Biedl syndrome. Last evaluated: 2022-03-23. Review status: criteria provided, single submitter. Criteria: Invitae Variant Classification Sherloc (09022015). Collection method: clinical testing. Allele origin: germline.
Comment: For these reasons, this variant has been classified as Pathogenic. This variant has not been reported in the literature in individuals affected with TTC8-related conditions. This variant is a gross deletion of the genomic region encompassing exon(s) 8 of the TTC8 gene. This deletion is out-of-frame, and is expected to create a premature termination codon and result in an absent or disrupted protein product. Loss-of-function variants in TTC8 are known to be pathogenic (PMID: 16308660, 16877420, 19797195, 21052717, 30886724).

Literature cited by the submitters: PubMed 16308660; PubMed 16877420; PubMed 19797195; PubMed 21052717; PubMed 30886724.

NC_000014.8:g.(?_89319295)_(89319420_?)del

Gene: TTC8 (tetratricopeptide repeat domain 8; plus strand). Cytogenetic location: 14q31.3.
Variant type: Deletion.
Identifiers: ClinVar variation 2427649 (VCV002427649.4).